The following is an entry in ClinVar:

NM_000334.4(SCN4A):c.4557C>A (p.Phe1519Leu)

Genes: GH-LCR (growth hormone locus control region; plus strand), SCN4A (sodium voltage-gated channel alpha subunit 4; minus strand). Cytogenetic location: 17q23.3.
Variant type: single nucleotide variant.
Coding change: c.4557C>A on transcript NM_000334.4 (MANE Select); coding-DNA position 4557, C replaced by A.
Protein change: p.Phe1519Leu; replaces phenylalanine 1519 with leucine.
Molecular consequence: missense variant.
Genome position (GRCh38, 1-based): chr17:63,941,725, G>T on the plus strand (C>A on the coding strand, the complement: SCN4A is on the minus strand). VCF-style: chr17-63941725-G-T. GRCh37 (hg19) VCF-style: chr17-62019085-G-T.
Other names: short protein forms F1519L.
Identifiers: ClinVar variation 543799 (VCV000543799.9), dbSNP rs931435454, ClinGen allele CA400615757.

ClinVar aggregate classification (germline): Uncertain significance (1 of 4 stars; one submission).

Conditions:
Hyperkalemic periodic paralysis. Also called: Gamstorp disease; Familial hyperkalemic periodic paralysis. Identifiers: Orphanet 682, MedGen C0238357, MONDO:0008224, OMIM 170500, HP:0007215.

Submission:

Labcorp Genetics (formerly Invitae), Labcorp
Classification: Uncertain significance for Hyperkalemic periodic paralysis. Last evaluated: 2017-09-29. Review status: criteria provided, single submitter. Criteria: Invitae Variant Classification Sherloc (09022015). Collection method: clinical testing. Allele origin: germline.
Comment: In summary, the available evidence is currently insufficient to determine the role of this variant in disease. Therefore, it has been classified as a Variant of Uncertain Significance. Algorithms developed to predict the effect of sequence changes on RNA splicing suggest that this variant may create or strengthen a splice site, but this prediction has not been confirmed by published transcriptional studies. Algorithms developed to predict the effect of missense changes on protein structure and function do not agree on the potential impact of this missense change (SIFT: "Deleterious"; PolyPhen-2: "Possibly Damaging"; Align-GVGD: "Class C15"). This variant has not been reported in the literature in individuals with SCN4A-related disease. This variant is not present in population databases (ExAC no frequency). This sequence change replaces phenylalanine with leucine at codon 1519 of the SCN4A protein (p.Phe1519Leu). The phenylalanine residue is highly conserved and there is a small physicochemical difference between phenylalanine and leucine.